The following is an entry in ClinVar:

NM_006329.4(FBLN5):c.905A>G (p.Gln302Arg)

Gene: FBLN5 (fibulin 5; minus strand). Cytogenetic location: 14q32.12.
Variant type: single nucleotide variant.
Coding change: c.905A>G on transcript NM_006329.4 (MANE Select); coding-DNA position 905, A replaced by G.
Protein change: p.Gln302Arg; replaces glutamine 302 with arginine.
Molecular consequence: missense variant.
Genome position (GRCh38, 1-based): chr14:91,881,376, T>C on the plus strand (A>G on the coding strand, the complement: FBLN5 is on the minus strand). VCF-style: chr14-91881376-T-C. GRCh37 (hg19) VCF-style: chr14-92347720-T-C.
Other names: c.1028A>G, p.Gln343Arg (NM_001384158.1); c.956A>G, p.Gln319Arg (NM_001384159.1); c.905A>G, p.Gln302Arg (NM_001384160.1); c.737A>G, p.Gln246Arg (NM_001384161.1, NM_001384162.1); short protein forms Q319R, Q246R, Q302R, Q343R.
Identifiers: ClinVar variation 1959710 (VCV001959710.5), dbSNP rs2542765461, ClinGen allele CA390641981.

ClinVar aggregate classification (germline): Uncertain significance (1 of 4 stars; one submission).

Submission:

Labcorp Genetics (formerly Invitae), Labcorp
Classification: Uncertain significance. Last evaluated: 2022-01-23. Review status: criteria provided, single submitter. Criteria: Invitae Variant Classification Sherloc (09022015). Collection method: clinical testing. Allele origin: germline.
Comment: In summary, the available evidence is currently insufficient to determine the role of this variant in disease. Therefore, it has been classified as a Variant of Uncertain Significance. Algorithms developed to predict the effect of missense changes on protein structure and function (SIFT, PolyPhen-2, Align-GVGD) all suggest that this variant is likely to be tolerated. This variant has not been reported in the literature in individuals affected with FBLN5-related conditions. This variant is not present in population databases (gnomAD no frequency). This sequence change replaces glutamine, which is neutral and polar, with arginine, which is basic and polar, at codon 302 of the FBLN5 protein (p.Gln302Arg).